The following is an entry in ClinVar:

ClinVar aggregate classification (germline): Uncertain significance. Review status: criteria provided, multiple submitters, no conflicts (2 of 4 stars). 2 submissions from 2 submitters: Uncertain significance (2). Last evaluated 2024-03-02.

Conditions:
Familial amyloid nephropathy with urticaria AND deafness (MWS). Also called: MUCKLE-WELLS SYNDROME; Urticaria, deafness and amyloidosis; CRYOPYRIN-ASSOCIATED PERIODIC SYNDROME 2; UDA SYNDROME; URTICARIA-DEAFNESS-AMYLOIDOSIS SYNDROME. Identifiers: Orphanet 575, MedGen C0268390, MONDO:0008633, OMIM 191900.
Chronic infantile neurological, cutaneous and articular syndrome (CINCA). Also called: Prieur Griscelli syndrome; CHRONIC NEUROLOGIC CUTANEOUS AND ARTICULAR SYNDROME; CRYOPYRIN-ASSOCIATED PERIODIC SYNDROME 3; CINCA syndrome. Identifiers: Orphanet 1451, MedGen C0409818, MONDO:0011776, OMIM 607115.
Hearing loss, autosomal dominant 34, with or without inflammation. Also called: DEAFNESS, AUTOSOMAL DOMINANT 34, WITH OR WITHOUT INFLAMMATION. Identifiers: MedGen C4521680, MONDO:0033261, OMIM 617772.
Keratitis fugax hereditaria. Also called: KERATOENDOTHELIITIS FUGAX HEREDITARIA. Identifiers: Orphanet 647815, MedGen C1835697, MONDO:0007849, OMIM 148200.
Familial cold autoinflammatory syndrome 1 (FCAS1). Also called: CRYOPYRIN-ASSOCIATED PERIODIC SYNDROME 1; Familial cold inflammatory syndrome 1. Identifiers: Orphanet 47045, MedGen C4551895, MONDO:0007349, OMIM 120100.
Cryopyrin associated periodic syndrome (CAPS). Identifiers: Orphanet 208650, MedGen C2316212, MONDO:0016168.

Allele frequency attached by ClinVar (database versions not stated): gnomAD exomes below 0.00001.
gnomAD v4.1: 2 of 1,300,632 alleles (0.00015%); highest among the groups gnomAD compares: African/African-American, 0.0015%; no homozygotes.

Submissions (2):

Fulgent Genetics
Classification: Uncertain significance for Familial cold autoinflammatory syndrome 1; Keratitis fugax hereditaria; Familial amyloid nephropathy with urticaria AND deafness; Chronic infantile neurological, cutaneous and articular syndrome; Hearing loss, autosomal dominant 34, with or without inflammation. Last evaluated: 2024-03-02. Review status: criteria provided, single submitter. Criteria: ACMG Guidelines, 2015. Collection method: clinical testing. Allele origin: germline.

Labcorp Genetics (formerly Invitae), Labcorp
Classification: Uncertain significance for Cryopyrin associated periodic syndrome. Last evaluated: 2024-01-19. Review status: criteria provided, single submitter. Criteria: Invitae Variant Classification Sherloc (09022015). Collection method: clinical testing. Allele origin: germline.
Comment: This sequence change replaces aspartic acid, which is acidic and polar, with asparagine, which is neutral and polar, at codon 282 of the NLRP3 protein (p.Asp282Asn). This variant is present in population databases (no rsID available, gnomAD 0.003%). This variant has not been reported in the literature in individuals affected with NLRP3-related conditions. Advanced modeling of protein sequence and biophysical properties (such as structural, functional, and spatial information, amino acid conservation, physicochemical variation, residue mobility, and thermodynamic stability) has been performed at Invitae for this missense variant, however the output from this modeling did not meet the statistical confidence thresholds required to predict the impact of this variant on NLRP3 protein function. In summary, the available evidence is currently insufficient to determine the role of this variant in disease. Therefore, it has been classified as a Variant of Uncertain Significance.

NM_001243133.2(NLRP3):c.838G>A (p.Asp280Asn)

Gene: NLRP3 (NLR family pyrin domain containing 3; plus strand). Cytogenetic location: 1q44.
Variant type: single nucleotide variant.
Coding change: c.838G>A on transcript NM_001243133.2 (MANE Select); coding-DNA position 838, G replaced by A.
Protein change: p.Asp280Asn; replaces aspartic acid 280 with asparagine.
Molecular consequence: missense variant.
Genome position (GRCh38, 1-based): chr1:247,424,287, G>A. VCF-style: chr1-247424287-G-A. GRCh37 (hg19) VCF-style: chr1-247587589-G-A.
Other names: c.838G>A, p.Asp280Asn (NM_001079821.3, NM_001127461.3, NM_001127462.3 and 1 more transcripts); c.844G>A, p.Asp282Asn (NM_004895.5); short protein forms D280N, D282N.
Identifiers: ClinVar variation 3014842 (VCV003014842.4), dbSNP rs1299635566, ClinGen allele CA345555538.